The following is an entry in ClinVar:

ClinVar aggregate classification (germline): Uncertain significance (1 of 4 stars; one submission).

Conditions:
Aortic aneurysm, familial thoracic 4 (AAT4). Also called: AORTIC ANEURYSM/AORTIC DISSECTION AND PATENT DUCTUS ARTERIOSUS. Identifiers: MedGen C1851504, MONDO:0007568, OMIM 132900.

Allele frequency attached by ClinVar (database versions not stated): gnomAD exomes below 0.00001.
gnomAD v4.1: 1 of 1,614,180 alleles (0.000062%); highest among the groups gnomAD compares: African/African-American, 0.0013%; no homozygotes.

Submission:

Labcorp Genetics (formerly Invitae), Labcorp
Classification: Uncertain significance for Aortic aneurysm, familial thoracic 4. Last evaluated: 2023-01-21. Review status: criteria provided, single submitter. Criteria: Invitae Variant Classification Sherloc (09022015). Collection method: clinical testing. Allele origin: germline.
Comment: This sequence change replaces lysine, which is basic and polar, with asparagine, which is neutral and polar, at codon 1662 of the MYH11 protein (p.Lys1662Asn). This variant is not present in population databases (gnomAD no frequency). This variant has not been reported in the literature in individuals affected with MYH11-related conditions. In summary, the available evidence is currently insufficient to determine the role of this variant in disease. Therefore, it has been classified as a Variant of Uncertain Significance. Advanced modeling of protein sequence and biophysical properties (such as structural, functional, and spatial information, amino acid conservation, physicochemical variation, residue mobility, and thermodynamic stability) performed at Invitae indicates that this missense variant is not expected to disrupt MYH11 protein function.

NM_002474.3(MYH11):c.4965G>T (p.Lys1655Asn)

Genes: MYH11 (myosin heavy chain 11; minus strand), NDE1 (nudE neurodevelopment protein 1; plus strand). Cytogenetic location: 16p13.11.
Variant type: single nucleotide variant.
Coding change: c.4965G>T on transcript NM_002474.3 (MANE Select); coding-DNA position 4965, G replaced by T.
Protein change: p.Lys1655Asn; replaces lysine 1655 with asparagine.
Molecular consequence: missense variant. On other transcripts: intron variant (2).
Genome position (GRCh38, 1-based): chr16:15,719,702, C>A on the plus strand (G>T on the coding strand, the complement: MYH11 is on the minus strand). VCF-style: chr16-15719702-C-A. GRCh37 (hg19) VCF-style: chr16-15813559-C-A.
Other names: c.4986G>T, p.Lys1662Asn (NM_001040113.2, NM_001040114.2); c.4965G>T, p.Lys1655Asn (NM_022844.3); c.948-4489C>A (NM_001143979.2, NM_017668.3); short protein forms K1655N, K1662N.
Identifiers: ClinVar variation 2830776 (VCV002830776.3), dbSNP rs1246633700, ClinGen allele CA394851961.
Genomic context (GRCh38, chr16:15,719,702, plus strand): 5'-GGCTGTGGCAAAGATCTCATCTCTGGAGGCACGGGCATCTTCCAGCTCTCTTTGAAAGTC[C>A]TTCATCTGAGCCTGCATGAGTCAACAGGGAGGACAAGCTCAGATGTCCTTACTCCCCCAA-3'
Protein context (NP_002465.1, residues 1645-1665): KQLRKLQAQM[Lys1655Asn]DFQRELEDAR